The following is an entry in ClinVar:

ClinVar aggregate classification (germline): Likely benign. Review status: criteria provided, multiple submitters, no conflicts (2 of 4 stars). 2 submissions from 2 submitters: Likely benign (2). Last evaluated 2025-11-19.

Conditions:
PDZD7-related disorder. Also called: PDZD7-related condition; PDZD7-related disorders.

Allele frequency attached by ClinVar (database versions not stated): TOPMed below 0.00001; 1000 Genomes Project 0.00020; gnomAD exomes 0.00021; ExAC 0.00028; gnomAD 0.00008; 1000 Genomes Project 30x 0.00016.
gnomAD v4.1: 151 of 1,613,812 alleles (0.0094%); highest among the groups gnomAD compares: South Asian, 0.16%; 3 homozygotes.

Submissions (2):

Labcorp Genetics (formerly Invitae), Labcorp
Classification: Likely benign. Last evaluated: 2025-11-19. Review status: criteria provided, single submitter. Criteria: Invitae Variant Classification Sherloc (09022015). Collection method: clinical testing. Allele origin: germline.

PreventionGenetics, part of Exact Sciences
Classification: Likely benign for PDZD7-related condition. Last evaluated: 2025-03-14. Review status: criteria provided, single submitter. Criteria: ACMG Guidelines, 2015. Collection method: clinical testing. Allele origin: germline.
Comment: This variant is classified as likely benign based on ACMG/AMP sequence variant interpretation guidelines (Richards et al. 2015 PMID: 25741868, with internal and published modifications).

NM_001195263.2(PDZD7):c.53G>A (p.Ser18Asn)

Gene: PDZD7 (PDZ domain containing 7; minus strand). Cytogenetic location: 10q24.31.
Variant type: single nucleotide variant.
Coding change: c.53G>A on transcript NM_001195263.2 (MANE Select); coding-DNA position 53, G replaced by A.
Protein change: p.Ser18Asn; replaces serine 18 with asparagine.
Molecular consequence: missense variant.
Genome position (GRCh38, 1-based): chr10:101,030,167, C>T on the plus strand (G>A on the coding strand, the complement: PDZD7 is on the minus strand). VCF-style: chr10-101030167-C-T. GRCh37 (hg19) VCF-style: chr10-102789924-C-T.
Other names: c.53G>A, p.Ser18Asn (NM_001351044.2, NM_024895.5); c.53G>A (NM_001195263.1); short protein forms S18N.
Identifiers: ClinVar variation 1138985 (VCV001138985.10), dbSNP rs555633587, ClinGen allele CA5654519.